The following is an entry in ClinVar:

NM_012114.3(CASP14):c.361C>T (p.Arg121Ter)

Gene: CASP14 (caspase 14; plus strand). Cytogenetic location: 19p13.12.
Variant type: single nucleotide variant.
Coding change: c.361C>T on transcript NM_012114.3 (MANE Select); coding-DNA position 361, C replaced by T.
Protein change: p.Arg121Ter; replaces arginine 121 with a stop codon.
Molecular consequence: nonsense.
Genome position (GRCh38, 1-based): chr19:15,053,916, C>T. VCF-style: chr19-15053916-C-T. GRCh37 (hg19) VCF-style: chr19-15164727-C-T.
Other names: short protein forms R121*.
Identifiers: ClinVar variation 2501195 (VCV002501195.1), dbSNP rs552598273, ClinGen allele CA9260698.

ClinVar aggregate classification (germline): Uncertain significance (1 of 4 stars; one submission).

Allele frequency attached by ClinVar (database versions not stated): ExAC 0.00001; gnomAD 0.00003; TOPMed 0.00006; 1000 Genomes Project 30x 0.00016; 1000 Genomes Project 0.00020.
gnomAD v4.1: 14 of 1,614,028 alleles (0.00087%); highest among the groups gnomAD compares: Admixed American, 0.0083%; no homozygotes.

Submission:

Women's Health and Genetics/Laboratory Corporation of America, LabCorp
Classification: Uncertain significance. Last evaluated: 2023-03-07. Review status: criteria provided, single submitter. Criteria: LabCorp Variant Classification Summary - May 2015. Collection method: clinical testing. Allele origin: germline.
Comment: Variant summary: CASP14 c.361C>T (p.Arg121X) results in a premature termination codon, predicted to cause a truncation of the encoded protein or absence of the protein due to nonsense mediated decay. The variant allele was found at a frequency of 4e-06 in 250846 control chromosomes. The available data on variant occurrences in the general population are insufficient to allow any conclusion about variant significance. c.361C>T has been reported in the literature as somatic occurrence in colorectal cancer cell lines (Mouradov_2014). These report(s) do not provide unequivocal conclusions about association of the variant with Lamellar Ichthyosis. To our knowledge, no experimental evidence demonstrating an impact on protein function has been reported. No clinical diagnostic laboratories have submitted clinical-significance assessments for this variant to ClinVar after 2014. Based on the evidence outlined above, the variant was classified as uncertain significance.

Literature cited by the submitters: PubMed 24755471.